The following is an entry in ClinVar:

ClinVar aggregate classification (germline): Uncertain significance. Review status: criteria provided, multiple submitters, no conflicts (2 of 4 stars). 4 submissions from 4 submitters: Uncertain significance (4). Last evaluated 2025-12-26.

Conditions:
Familial thoracic aortic aneurysm and aortic dissection (TAAD). Also called: Thoracic aortic aneurysms and dissections. Identifiers: Orphanet 91387, MedGen C4707243, MONDO:0019625.
Marfan syndrome (MFS). Also called: FBN1-Related Marfan Syndrome; Marfan syndrome type 1; Marfan's syndrome; Marfan syndrome, classic; MARFAN SYNDROME, TYPE I. Identifiers: Orphanet 284963, Orphanet 558, MedGen C0024796, MONDO:0007947, OMIM 154700.

Allele frequency attached by ClinVar (database versions not stated): gnomAD exomes below 0.00001; gnomAD 0.00001.
gnomAD v4.1: 5 of 1,613,946 alleles (0.00031%); highest among the groups gnomAD compares: East Asian, 0.0022%; no homozygotes.

Submissions (4):

Color Diagnostics, LLC DBA Color Health
Classification: Uncertain significance for Familial thoracic aortic aneurysm and aortic dissection. Last evaluated: 2025-12-26. Review status: criteria provided, single submitter. Criteria: ACMG Guidelines, 2015. Collection method: clinical testing. Allele origin: germline.
Comment: This missense variant replaces arginine with glycine at codon 45 of the FBN1 protein. Computational prediction is inconclusive regarding the impact of this variant on protein structure and function. To our knowledge, functional studies have not been reported for this variant. This variant has not been reported in individuals affected with cardiovascular disorders in the literature. This variant has not been identified in the general population by the Genome Aggregation Database (gnomAD). The available evidence is insufficient to determine the role of this variant in disease conclusively. Therefore, this variant is classified as a Variant of Uncertain Significance.

Labcorp Genetics (formerly Invitae), Labcorp
Classification: Uncertain significance for Marfan syndrome; Familial thoracic aortic aneurysm and aortic dissection. Last evaluated: 2025-01-07. Review status: criteria provided, single submitter. Criteria: Invitae Variant Classification Sherloc (09022015). Collection method: clinical testing. Allele origin: germline.
Comment: This sequence change replaces arginine, which is basic and polar, with glycine, which is neutral and non-polar, at codon 45 of the FBN1 protein (p.Arg45Gly). This variant is not present in population databases (gnomAD no frequency). This variant has not been reported in the literature in individuals affected with FBN1-related conditions. ClinVar contains an entry for this variant (Variation ID: 636478). Invitae Evidence Modeling of protein sequence and biophysical properties (such as structural, functional, and spatial information, amino acid conservation, physicochemical variation, residue mobility, and thermodynamic stability) has been performed for this missense variant. However, the output from this modeling did not meet the statistical confidence thresholds required to predict the impact of this variant on FBN1 protein function. In summary, the available evidence is currently insufficient to determine the role of this variant in disease. Therefore, it has been classified as a Variant of Uncertain Significance.

All of Us Research Program, National Institutes of Health
Classification: Uncertain significance for Marfan syndrome. Last evaluated: 2023-06-28. Review status: criteria provided, single submitter. Criteria: ACMG Guidelines, 2015. Collection method: clinical testing. Allele origin: germline. Inheritance: Autosomal dominant inheritance. Observed: 1 variant allele, 1 heterozygote.
Comment: This missense variant replaces arginine with glycine at codon 45 of the FBN1 protein. Computational prediction is inconclusive regarding the impact of this variant on protein structure and function (internally defined REVEL score threshold 0.5 < inconclusive < 0.7, PMID: 27666373). To our knowledge, functional studies have not been reported for this variant. This variant has not been reported in individuals affected with cardiovascular disorders in the literature. This variant has not been identified in the general population by the Genome Aggregation Database (gnomAD). The available evidence is insufficient to determine the role of this variant in disease conclusively. Therefore, this variant is classified as a Variant of Uncertain Significance.

This study involves interpretation of variants in research participants for the purpose of population health screening. Participant phenotype was not available at the time of variant classification. Additional details can be found in publication PMID: 35346344, PMCID: PMC8962531

Blueprint Genetics
Classification: Uncertain significance. Last evaluated: 2021-03-31. Review status: criteria provided, single submitter. Criteria: ACMG Guidelines, 2015. Collection method: clinical testing. Allele origin: germline.

NM_000138.5(FBN1):c.133A>G (p.Arg45Gly)

Gene: FBN1 (fibrillin 1; minus strand). Cytogenetic location: 15q21.1.
Variant type: single nucleotide variant.
Coding change: c.133A>G on transcript NM_000138.5 (MANE Select); coding-DNA position 133, A replaced by G.
Protein change: p.Arg45Gly; replaces arginine 45 with glycine.
Molecular consequence: missense variant.
Genome position (GRCh38, 1-based): chr15:48,644,637, T>C on the plus strand (A>G on the coding strand, the complement: FBN1 is on the minus strand). VCF-style: chr15-48644637-T-C. GRCh37 (hg19) VCF-style: chr15-48936834-T-C.
Other names: short protein forms R45G.
Identifiers: ClinVar variation 636478 (VCV000636478.9), dbSNP rs1597652333, ClinGen allele CA392453540.